The following is an entry in ClinVar:

ClinVar aggregate classification (germline): Uncertain significance. Review status: criteria provided, multiple submitters, no conflicts (2 of 4 stars). 2 submissions from 2 submitters: Uncertain significance (2). Last evaluated 2021-07-29.

Conditions:
Hypertrophic cardiomyopathy 9. Also called: Familial hypertrophic cardiomyopathy 9. Identifiers: MedGen C1861065, MONDO:0013412, OMIM 613765.
Early-onset myopathy with fatal cardiomyopathy (CMYO5). Also called: CONGENITAL MYOPATHY 5 WITH CARDIOMYOPATHY; Salih Myopathy. Identifiers: Orphanet 289377, MedGen C2673677, MONDO:0012714, OMIM 611705. Disease mechanism: loss of function.
Myopathy, myofibrillar, 9, with early respiratory failure (MFM9). Also called: EDSTROM MYOPATHY; MYOPATHY, PROXIMAL, WITH EARLY RESPIRATORY MUSCLE INVOLVEMENT; Hereditary myopathy with early respiratory failure; Myopathy, distal, with early respiratory failure, autosomal dominant. Identifiers: Orphanet 178464, Orphanet 34521, MedGen C1863599, MONDO:0011362, OMIM 603689.
Tibial muscular dystrophy (TMD). Also called: Tibial muscular dystrophy, tardive; UDD MYOPATHY; Udd Distal Myopathy – Tibial Muscular Dystrophy. Identifiers: Orphanet 609, MedGen C1838244, MONDO:0010870, OMIM 600334.
Dilated cardiomyopathy 1G (CMD1G). Identifiers: Orphanet 154, MedGen C1858763, MONDO:0011400, OMIM 604145.
Autosomal recessive limb-girdle muscular dystrophy type 2J (LGMDR10). Also called: Limb-girdle muscular dystrophy, type 2J; MUSCULAR DYSTROPHY, LIMB-GIRDLE, AUTOSOMAL RECESSIVE 10. Identifiers: Orphanet 140922, MedGen C1837342, MONDO:0012127, OMIM 608807.

Allele frequency attached by ClinVar (database versions not stated): gnomAD exomes below 0.00001; ExAC 0.00001.
gnomAD v4.1: 5 of 1,613,226 alleles (0.00031%); highest among the groups gnomAD compares: Non-Finnish European, 0.00042%; no homozygotes.

Submissions (2):

Fulgent Genetics
Classification: Uncertain significance for Tibial muscular dystrophy; Myopathy, myofibrillar, 9, with early respiratory failure; Dilated cardiomyopathy 1G; Autosomal recessive limb-girdle muscular dystrophy type 2J; Early-onset myopathy with fatal cardiomyopathy; Hypertrophic cardiomyopathy 9. Last evaluated: 2021-07-29. Review status: criteria provided, single submitter. Criteria: ACMG Guidelines, 2015. Collection method: clinical testing. Allele origin: unknown.

ARUP Laboratories, Molecular Genetics and Genomics, ARUP Laboratories
Classification: Uncertain significance. Last evaluated: 2020-02-09. Review status: criteria provided, single submitter. Criteria: ARUP Molecular Germline Variant Investigation Process. Collection method: clinical testing. Allele origin: germline.
Comment: The TTN c.66318C>G, p.Asn22106Lys variant (rs771219209) is rare in the general population (<1% allele frequency in the Genome Aggregation Database) and has not been reported in the medical literature in association with dilated cardiomyopathy (DCM) or other TTN-related disease. The clinical relevance of rare missense variants in this gene, which are identified on average once per individual sequenced in affected populations (Herman 2012), is not well understood. Yet, evidence suggests that the vast majority of such missense variants do not contribute to the clinical outcome of DCM (Begay 2015). Thus, the clinical significance of the p.Asn22106Lys variant cannot be determined with certainty. Pathogenic variants in the TTN gene are inherited both in an autosomal dominant and autosomal recessive manner and have been reported to cause a wide range of clinical phenotypes. TTN-associated conditions with cardiac manifestations include autosomal dominant dilated cardiomyopathy 1G (MIM: 604145), autosomal dominant familial hypertrophic cardiomyopathy 9 (MIM: 613765), and autosomal recessive Salih myopathy (MIM: 611705). Other genetic and/or environmental factors may influence the clinical phenotype. For recent information about properties and function of the titin protein see review authored by Linke and Hamdani (2014). References: Begay RL et al. Role of Titin Missense Variants in Dilated Cardiomyopathy. J Am Heart Assoc. 2015 Nov 13;4(11). Herman DS et al. Truncations of titin causing dilated cardiomyopathy. N Engl J Med. 2012 Feb 16;366(7):619-28. Linke WA and Hamdani N. Gigantic business: titin properties and function through thick and thin. Circ Res 2014; 114(6): 1052-1068.

NM_001267550.2(TTN):c.66318C>G (p.Asn22106Lys)

Genes: TTN (titin; minus strand), TTN-AS1 (TTN antisense RNA 1; plus strand). Cytogenetic location: 2q31.2.
Variant type: single nucleotide variant.
Coding change: c.66318C>G on transcript NM_001267550.2 (MANE Select); coding-DNA position 66318, C replaced by G.
Protein change: p.Asn22106Lys; replaces asparagine 22106 with lysine.
Molecular consequence: missense variant.
Genome position (GRCh38, 1-based): chr2:178,582,051, G>C on the plus strand (C>G on the coding strand, the complement: TTN is on the minus strand). VCF-style: chr2-178582051-G-C. GRCh37 (hg19) VCF-style: chr2-179446778-G-C.
Other names: c.61395C>G, p.Asn20465Lys (NM_001256850.1); c.39123C>G, p.Asn13041Lys (NM_003319.4); c.58614C>G, p.Asn19538Lys (NM_133378.4); c.39498C>G, p.Asn13166Lys (NM_133432.3); c.39699C>G, p.Asn13233Lys (NM_133437.4); short protein forms N13041K, N13166K, N13233K, N19538K, N20465K, N22106K.
Identifiers: ClinVar variation 994075 (VCV000994075.9), dbSNP rs771219209, ClinGen allele CA1991545.